The following is an entry in ClinVar:

NM_000383.4(AIRE):c.1256G>T (p.Cys419Phe)

Gene: AIRE (autoimmune regulator; plus strand). Cytogenetic location: 21q22.3.
Variant type: single nucleotide variant.
Coding change: c.1256G>T on transcript NM_000383.4 (MANE Select); coding-DNA position 1256, G replaced by T.
Protein change: p.Cys419Phe; replaces cysteine 419 with phenylalanine.
Molecular consequence: missense variant.
Genome position (GRCh38, 1-based): chr21:44,293,153, G>T. VCF-style: chr21-44293153-G-T. GRCh37 (hg19) VCF-style: chr21-45713036-G-T.
Other names: short protein forms C419F.
Identifiers: ClinVar variation 1043828 (VCV001043828.8), dbSNP rs756933733, ClinGen allele CA10052007.

ClinVar aggregate classification (germline): Uncertain significance (1 of 4 stars; one submission).

Conditions:
Polyglandular autoimmune syndrome, type 1 (APS1). Also called: PGA I; Whitaker syndrome; Autoimmune polyendocrine syndrome type 1; Autoimmune polyendocrinopathy syndrome, type I; HYPOADRENOCORTICISM WITH HYPOPARATHYROIDISM AND SUPERFICIAL MONILIASIS; AUTOIMMUNE POLYENDOCRINE SYNDROME, TYPE I, WITH OR WITHOUT REVERSIBLE METAPHYSEAL DYSPLASIA. Identifiers: Orphanet 3453, MedGen C0085859, MONDO:0009411, OMIM 240300.

Allele frequency attached by ClinVar (database versions not stated): ExAC below 0.00001.

Submission:

Labcorp Genetics (formerly Invitae), Labcorp
Classification: Uncertain significance for Polyglandular autoimmune syndrome, type 1. Last evaluated: 2024-01-26. Review status: criteria provided, single submitter. Criteria: Invitae Variant Classification Sherloc (09022015). Collection method: clinical testing. Allele origin: germline.
Comment: This sequence change replaces cysteine, which is neutral and slightly polar, with phenylalanine, which is neutral and non-polar, at codon 419 of the AIRE protein (p.Cys419Phe). This variant is not present in population databases (gnomAD no frequency). This variant has not been reported in the literature in individuals affected with AIRE-related conditions. ClinVar contains an entry for this variant (Variation ID: 1043828). Advanced modeling of protein sequence and biophysical properties (such as structural, functional, and spatial information, amino acid conservation, physicochemical variation, residue mobility, and thermodynamic stability) has been performed at Invitae for this missense variant, however the output from this modeling did not meet the statistical confidence thresholds required to predict the impact of this variant on AIRE protein function. In summary, the available evidence is currently insufficient to determine the role of this variant in disease. Therefore, it has been classified as a Variant of Uncertain Significance.